The following is an entry in ClinVar:

ClinVar aggregate classification (germline): Benign (1 of 4 stars; one submission).

Allele frequency attached by ClinVar (database versions not stated): TOPMed 0.02499; gnomAD 0.02899 and 0.02983; 1000 Genomes Project 30x 0.03154; 1000 Genomes Project 0.03355.
gnomAD v4.1: 4,585 of 152,270 alleles (3%); highest among the groups gnomAD compares: East Asian, 7.1%; 119 homozygotes.

Submission:

GeneDx
Classification: Benign. Last evaluated: 2018-06-14. Review status: criteria provided, single submitter. Criteria: GeneDx Variant Classification (06012015). Collection method: clinical testing. Allele origin: germline. Affected: yes.
Comment: This variant is considered likely benign or benign based on one or more of the following criteria: it is a conservative change, it occurs at a poorly conserved position in the protein, it is predicted to be benign by multiple in silico algorithms, and/or has population frequency not consistent with disease.

NM_001371279.1(REEP1):c.105+191G>A

Gene: REEP1 (receptor accessory protein 1; minus strand). Cytogenetic location: 2p11.2.
Variant type: single nucleotide variant.
Coding change: c.105+191G>A on transcript NM_001371279.1 (MANE Select); 191 bases into the intron after coding-DNA position 105, G replaced by A.
Molecular consequence: intron variant.
Genome position (GRCh38, 1-based): chr2:86,281,979, C>T on the plus strand (G>A on the coding strand, the complement: REEP1 is on the minus strand). VCF-style: chr2-86281979-C-T. GRCh37 (hg19) VCF-style: chr2-86509102-C-T.
Other names: c.126+191G>A (NM_001164730.2); c.25-17938G>A (NM_001164731.2); c.105+191G>A (NM_001164732.2, NM_001371280.1, NM_022912.3).
Identifiers: ClinVar variation 676674 (VCV000676674.1), dbSNP rs3821015, ClinGen allele CA51445041.